The following is an entry in ClinVar:

ClinVar aggregate classification (germline): Uncertain significance (1 of 4 stars; one submission).

gnomAD v4.1: 3 of 1,613,686 alleles (0.00019%); highest among the groups gnomAD compares: Non-Finnish European, 0.00017%; no homozygotes.

Submission:

Labcorp Genetics (formerly Invitae), Labcorp
Classification: Uncertain significance. Last evaluated: 2025-06-17. Review status: criteria provided, single submitter. Criteria: Invitae Variant Classification Sherloc (09022015). Collection method: clinical testing. Allele origin: germline.
Comment: This sequence change replaces glycine, which is neutral and non-polar, with serine, which is neutral and polar, at codon 889 of the SON protein (p.Gly889Ser). This variant is present in population databases (no rsID available, gnomAD 0.01%). This variant has not been reported in the literature in individuals affected with SON-related conditions. An algorithm developed to predict the effect of missense changes on protein structure and function outputs the following: PolyPhen-2: "Probably Damaging". The serine amino acid residue is found in multiple mammalian species, which suggests that this missense change does not adversely affect protein function. In summary, the available evidence is currently insufficient to determine the role of this variant in disease. Therefore, it has been classified as a Variant of Uncertain Significance.

NM_138927.4(SON):c.2665G>A (p.Gly889Ser)

Gene: SON (SON DNA and RNA binding protein; plus strand). Cytogenetic location: 21q22.11.
Variant type: single nucleotide variant.
Coding change: c.2665G>A on transcript NM_138927.4 (MANE Select); coding-DNA position 2665, G replaced by A.
Protein change: p.Gly889Ser; replaces glycine 889 with serine.
Molecular consequence: missense variant. On other transcripts: non-coding transcript variant (1), intron variant (1).
Genome position (GRCh38, 1-based): chr21:33,551,896, G>A. VCF-style: chr21-33551896-G-A. GRCh37 (hg19) VCF-style: chr21-34924202-G-A.
Other names: c.2665G>A, p.Gly889Ser (NM_001291411.2, NM_032195.3); c.245-5260G>A (NM_001291412.3); short protein forms G889S.
Identifiers: ClinVar variation 4700071 (VCV004700071.1).